The following is an entry in ClinVar:

NM_003282.4(TNNI2):c.453+3G>A

Gene: TNNI2 (troponin I2, fast skeletal type; plus strand). Cytogenetic location: 11p15.5.
Variant type: single nucleotide variant.
Coding change: c.453+3G>A on transcript NM_003282.4 (MANE Select); 3 bases into the intron after coding-DNA position 453, G replaced by A.
Molecular consequence: intron variant.
Genome position (GRCh38, 1-based): chr11:1,841,210, G>A. VCF-style: chr11-1841210-G-A. GRCh37 (hg19) VCF-style: chr11-1862440-G-A.
Other names: c.453+3G>A (NM_001145829.2, NM_001145841.2).
Identifiers: ClinVar variation 517104 (VCV000517104.11), dbSNP rs200300133, ClinGen allele CA5815268.

ClinVar aggregate classification (germline): Benign. Review status: criteria provided, multiple submitters, no conflicts (2 of 4 stars). 3 submissions from 3 submitters: Benign (3). Last evaluated 2019-12-31.

Conditions:
Distal arthrogryposis type 2B1 (DA2B1). Also called: Arthrogryposis multiplex congenita distal type II with craniofacial abnormalities. Identifiers: Orphanet 1147, MedGen C5193014, MONDO:0020820, OMIM 601680.

Allele frequency attached by ClinVar (database versions not stated): gnomAD exomes 0.00085; ExAC 0.00114; 1000 Genomes Project 0.00240; 1000 Genomes Project 30x 0.00297; gnomAD 0.00331 and 0.00354; TOPMed 0.00337; ESP Exome Variant Server 0.00408.
gnomAD v4.1: 962 of 1,611,232 alleles (0.06%); highest among the groups gnomAD compares: African/African-American, 1.2%; 3 homozygotes.

Submissions (3):

Labcorp Genetics (formerly Invitae), Labcorp
Classification: Benign. Last evaluated: 2019-12-31. Review status: criteria provided, single submitter. Criteria: Invitae Variant Classification Sherloc (09022015). Collection method: clinical testing. Allele origin: germline.

GeneDx
Classification: Benign. Last evaluated: 2019-11-13. Review status: criteria provided, single submitter. Criteria: GeneDx Variant Classification Process June 2021. Collection method: clinical testing. Allele origin: germline. Affected: yes.

Illumina Laboratory Services, Illumina
Classification: Benign for Distal arthrogryposis type 2B1. Last evaluated: 2018-01-13. Review status: criteria provided, single submitter. Criteria: ICSL Variant Classification Criteria 13 December 2019. Collection method: clinical testing. Allele origin: germline.
Comment: This variant was observed in the ICSL laboratory as part of a predisposition screen in an ostensibly healthy population. It had not been previously curated by ICSL or reported in the Human Gene Mutation Database (HGMD: prior to June 1st, 2018), and was therefore a candidate for classification through an automated scoring system. Utilizing variant allele frequency, disease prevalence and penetrance estimates, and inheritance mode, an automated score was calculated to assess if this variant is too frequent to cause the disease. Based on the score and internal cut-off values, a variant classified as benign is not then subjected to further curation. The score for this variant resulted in a classification of benign for this disease.